The following is an entry in ClinVar:

ClinVar aggregate classification (germline): Likely benign (0 of 4 stars; one submission).

Conditions:
ZEB2-related disorder. Also called: ZEB2-related condition.

gnomAD v4.1: 1 of 1,614,130 alleles (0.000062%); highest among the groups gnomAD compares: Non-Finnish European, 0.000085%; no homozygotes.

Submission:

PreventionGenetics, part of Exact Sciences
Classification: Likely benign for ZEB2-related condition. Last evaluated: 2024-04-24. Review status: no assertion criteria provided. Collection method: clinical testing. Allele origin: germline.
Comment: This variant is classified as likely benign based on ACMG/AMP sequence variant interpretation guidelines (Richards et al. 2015 PMID: 25741868, with internal and published modifications).

NM_014795.4(ZEB2):c.2226A>G (p.Pro742=)

Gene: ZEB2 (zinc finger E-box binding homeobox 2; minus strand). Cytogenetic location: 2q22.3.
Variant type: single nucleotide variant.
Coding change: c.2226A>G on transcript NM_014795.4 (MANE Select); coding-DNA position 2226, A replaced by G.
Protein change: p.Pro742=; no amino-acid change (proline 742 retained).
Molecular consequence: synonymous variant.
Genome position (GRCh38, 1-based): chr2:144,398,961, T>C on the plus strand (A>G on the coding strand, the complement: ZEB2 is on the minus strand). VCF-style: chr2-144398961-T-C. GRCh37 (hg19) VCF-style: chr2-145156528-T-C.
Other names: c.2154A>G, p.Pro718= (NM_001171653.2).
Identifiers: ClinVar variation 3346138 (VCV003346138.1).